The following is an entry in ClinVar:

NM_000257.4(MYH7):c.4648T>C (p.Ser1550Pro)

Genes: MHRT (myosin heavy chain associated RNA transcript; plus strand), MYH7 (myosin heavy chain 7; minus strand), LOC126861897 (BRD4-independent group 4 enhancer GRCh37_chr14:23884455-23885654; plus strand). Cytogenetic location: 14q11.2.
Variant type: single nucleotide variant.
Coding change: c.4648T>C on transcript NM_000257.4 (MANE Select); coding-DNA position 4648, T replaced by C.
Protein change: p.Ser1550Pro; replaces serine 1550 with proline.
Molecular consequence: missense variant.
Genome position (GRCh38, 1-based): chr14:23,416,309, A>G on the plus strand (T>C on the coding strand, the complement: MYH7 is on the minus strand). VCF-style: chr14-23416309-A-G. GRCh37 (hg19) VCF-style: chr14-23885518-A-G.
Other names: short protein forms S1550P.
Identifiers: ClinVar variation 524978 (VCV000524978.11), dbSNP rs1555336492, ClinGen allele CA389037936.

ClinVar aggregate classification (germline): Conflicting classifications of pathogenicity. Review status: criteria provided, conflicting classifications (1 of 4 stars). 2 submissions from 2 submitters: Likely pathogenic (1); Uncertain significance (1). Last evaluated 2021-04-29.

Conditions:
Hypertrophic cardiomyopathy. Also called: HYPERTROPHIC MYOCARDIOPATHY. Identifiers: Orphanet 217569, MedGen C0007194, MeSH D002312, MONDO:0005045, HP:0001639.

Submissions (2):

Revvity Omics, Revvity
Classification: Uncertain significance. Last evaluated: 2021-04-29. Review status: criteria provided, single submitter. Criteria: ACMG Guidelines, 2015. Collection method: clinical testing. Allele origin: germline.

Labcorp Genetics (formerly Invitae), Labcorp
Classification: Likely pathogenic for Hypertrophic cardiomyopathy. Last evaluated: 2017-11-16. Review status: criteria provided, single submitter. Criteria: Invitae Variant Classification Sherloc (09022015). Collection method: clinical testing. Allele origin: germline.
Comment: In summary, the currently available evidence indicates that the variant is pathogenic, but additional data are needed to prove that conclusively. Therefore, this variant has been classified as Likely Pathogenic. Algorithms developed to predict the effect of missense changes on protein structure and function do not agree on the potential impact of this missense change (SIFT: "Deleterious"; PolyPhen-2: "Probably Damaging"; Align-GVGD: "Class C0"). This variant has been reported to be de novo in individuals affected with myopathy (Invitae). This variant is not present in population databases (ExAC no frequency). This sequence change replaces serine with proline at codon 1550 of the MYH7 protein (p.Ser1550Pro). The serine residue is highly conserved and there is a moderate physicochemical difference between serine and proline.